The following is an entry in ClinVar:

NM_001199107.2(TBC1D24):c.439G>A (p.Asp147Asn)

Gene: TBC1D24 (TBC1 domain family member 24; plus strand). Cytogenetic location: 16p13.3.
Variant type: single nucleotide variant.
Coding change: c.439G>A on transcript NM_001199107.2 (MANE Select); coding-DNA position 439, G replaced by A.
Protein change: p.Asp147Asn; replaces aspartic acid 147 with asparagine.
Molecular consequence: missense variant.
Genome position (GRCh38, 1-based): chr16:2,496,587, G>A. VCF-style: chr16-2496587-G-A. GRCh37 (hg19) VCF-style: chr16-2546588-G-A.
Other names: c.439G>A, p.Asp147Asn (NM_020705.3); short protein forms D147N.
Identifiers: ClinVar variation 229287 (VCV000229287.20), dbSNP rs267607103, ClinGen allele CA7844000.

ClinVar aggregate classification (germline): Uncertain significance. Review status: criteria provided, multiple submitters, no conflicts (2 of 4 stars). 7 submissions from 7 submitters: Uncertain significance (7). Last evaluated 2025-12-15.

Conditions:
Familial infantile myoclonic epilepsy (FIME). Also called: Epilepsy, Myoclonic, Infantile; TBC1D24-Related Familial Infantile Myoclonic Epilepsy (FIME). Identifiers: Orphanet 352582, MedGen C0917800, MONDO:0011506, OMIM 605021.
DOORS syndrome (DOORS). Also called: DRC SYNDROME; BRACHYDACTYLY DUE TO ABSENCE OF DISTAL PHALANGES; ERONEN SYNDROME; DOORS Syndrome (Deafness, Onychodystrophy, Osteodystrophy, Mental Retardation, and Seizures); Digitorenocerebral syndrome; DEAFNESS, ONYCHODYSTROPHY, OSTEODYSTROPHY, IMPAIRED INTELLECTUAL DEVELOPMENT, AND SEIZURES SYNDROME. Identifiers: Orphanet 3231, Orphanet 79500, MedGen C0795934, MONDO:0009079, OMIM 220500. Disease mechanism: loss of function.
Rolandic epilepsy-paroxysmal exercise-induced dystonia-writer's cramp syndrome. Also called: RE-PED-WC; TBC1D24-Related Rolandic Epilepsy with Paroxysmal Exercise-Induced Dystonia and Writer's Cramp (EPRPDC). Identifiers: Orphanet 163727, MedGen C1842531, MONDO:0011970, OMIM 608105.
Autosomal dominant nonsyndromic hearing loss 65. Also called: Deafness, autosomal dominant 65; TBC1D24-Related Autosomal Dominant Nonsyndromic Hearing Loss (DFNA). Identifiers: Orphanet 90635, MedGen C3892048, MONDO:0014470, OMIM 616044.
Developmental and epileptic encephalopathy, 16 (DEE16). Also called: Early infantile epileptic encephalopathy 16; TBC1D24-Related Developmental and Epileptic Encephalopathy (DEE). Identifiers: Orphanet 293181, Orphanet 352596, MedGen C3809173, MONDO:0014133, OMIM 615338.
Autosomal recessive nonsyndromic hearing loss 86 (DFNB86). Also called: Deafness , autosomal recessive 86; TBC1D24-Related Autosomal Recessive Nonsyndromic Hearing Loss (DFNB). Identifiers: Orphanet 90636, MedGen C2829265, MONDO:0013826, OMIM 614617.
Developmental and epileptic encephalopathy, 1 (DEE1). Also called: X-linked infantile spasms; West's syndrome; Tonic spasms with clustering, arrest of psychomotor development and hypsarrhythmia on EEG; X-Linked Infantile Spasm Syndrome; OHTAHARA SYNDROME, X-LINKED; INFANTILE SPASM SYNDROME, X-LINKED 1. Identifiers: MedGen C3463992, MONDO:0010632, OMIM 308350. Disease mechanism: loss of function.

Allele frequency attached by ClinVar (database versions not stated): gnomAD 0.00007 and 0.00009; ESP Exome Variant Server 0.00008; TOPMed 0.00010; ExAC 0.00014.
gnomAD v4.1: 106 of 1,609,514 alleles (0.0066%); highest among the groups gnomAD compares: East Asian, 0.14%; 1 homozygote.

Submissions (7):

Labcorp Genetics (formerly Invitae), Labcorp
Classification: Uncertain significance for Developmental and epileptic encephalopathy, 1; Autosomal dominant nonsyndromic hearing loss 65. Last evaluated: 2025-12-15. Review status: criteria provided, single submitter. Criteria: Invitae Variant Classification Sherloc (09022015). Collection method: clinical testing. Allele origin: germline.
Comment: This sequence change replaces aspartic acid, which is acidic and polar, with asparagine, which is neutral and polar, at codon 147 of the TBC1D24 protein (p.Asp147Asn). This variant is present in population databases (rs267607103, gnomAD 0.1%). This variant has not been reported in the literature in individuals affected with TBC1D24-related conditions. ClinVar contains an entry for this variant (Variation ID: 229287). Invitae Evidence Modeling of protein sequence and biophysical properties (such as structural, functional, and spatial information, amino acid conservation, physicochemical variation, residue mobility, and thermodynamic stability) has been performed for this missense variant. However, the output from this modeling did not meet the statistical confidence thresholds required to predict the impact of this variant on TBC1D24 protein function. This variant disrupts the p.Asp147 amino acid residue in TBC1D24. Other variant(s) that disrupt this residue have been determined to be pathogenic (PMID: 20727515). This suggests that this residue is clinically significant, and that variants that disrupt this residue are likely to be disease-causing. In summary, the available evidence is currently insufficient to determine the role of this variant in disease. Therefore, it has been classified as a Variant of Uncertain Significance.

Blueprint Genetics
Classification: Uncertain significance. Last evaluated: 2023-12-19. Review status: criteria provided, single submitter. Criteria: ACMG Guidelines, 2015. Collection method: clinical testing. Allele origin: germline.

GeneDx
Classification: Uncertain significance. Last evaluated: 2022-04-07. Review status: criteria provided, single submitter. Criteria: GeneDx Variant Classification Process June 2021. Collection method: clinical testing. Allele origin: germline. Affected: yes.
Comment: In silico analysis supports that this missense variant does not alter protein structure/function; Has not been previously published as pathogenic or benign to our knowledge

Institute of Human Genetics, Clinical Exome/Genome Diagnostics Group, University Hospital Bonn
Classification: Uncertain significance. Last evaluated: 2022-02-09. Review status: criteria provided, single submitter. Criteria: ACMG Guidelines, 2015. Collection method: clinical testing. Allele origin: biparental. Affected: yes.
Comment: PM5_supporting

Fulgent Genetics
Classification: Uncertain significance for DOORS syndrome; Familial infantile myoclonic epilepsy; Rolandic epilepsy-paroxysmal exercise-induced dystonia-writer's cramp syndrome; Autosomal recessive nonsyndromic hearing loss 86; Developmental and epileptic encephalopathy, 16; Autosomal dominant nonsyndromic hearing loss 65. Last evaluated: 2021-09-09. Review status: criteria provided, single submitter. Criteria: ACMG Guidelines, 2015. Collection method: clinical testing. Allele origin: unknown.

Illumina Laboratory Services, Illumina
Classification: Uncertain significance for Familial infantile myoclonic epilepsy. Last evaluated: 2017-04-27. Review status: criteria provided, single submitter. Criteria: ICSL Variant Classification Criteria 13 December 2019. Collection method: clinical testing. Allele origin: germline.

Laboratory for Molecular Medicine, Mass General Brigham Personalized Medicine
Classification: Uncertain significance. Last evaluated: 2016-01-12. Review status: criteria provided, single submitter. Criteria: LMM Criteria. Collection method: clinical testing. Allele origin: germline. Observed: 1 variant allele.
Comment: The p.Asp147Asn variant in TBC1D24 has not been previously reported in individua ls with hearing loss. This variant has been identified in 0.1% (12/8488) of East Asian chromosomes by the Exome Aggregation Consortium (ExAC; dbSNP rs267607103). Although this variant has been seen in the gen eral population, its frequency is not high enough to rule out a pathogenic role. Computational prediction tools and conservation analyses suggest that the p.Asp 147Asn variant may impact the protein, though this information is not predictive enough to determine pathogenicity. In summary, the clinical significance of th e p.Asp147Asn variant is uncertain.

Literature cited by the submitters: PubMed 20727515 (cited by Labcorp Genetics (formerly Invitae), Labcorp).